The following is an entry in ClinVar:

ClinVar aggregate classification (germline): Benign (1 of 4 stars; one submission).

Submission:

GeneDx
Classification: Benign. Last evaluated: 2018-06-16. Review status: criteria provided, single submitter. Criteria: GeneDx Variant Classification (06012015). Collection method: clinical testing. Allele origin: germline. Affected: yes.
Comment: This variant is considered likely benign or benign based on one or more of the following criteria: it is a conservative change, it occurs at a poorly conserved position in the protein, it is predicted to be benign by multiple in silico algorithms, and/or has population frequency not consistent with disease.

NM_182961.4(SYNE1):c.3027+255del

Gene: SYNE1 (spectrin repeat containing nuclear envelope protein 1; minus strand). Cytogenetic location: 6q25.2.
Variant type: Deletion.
Coding change: c.3027+255del on transcript NM_182961.4 (MANE Select); 255 bases into the intron after coding-DNA position 3027, one base deleted (T; older notation c.3027+255delT).
Molecular consequence: intron variant.
Genome position (GRCh38, 1-based): chr6:152,453,331, A deleted on the plus strand (T on the coding strand, the reverse complement: SYNE1 is on the minus strand); the first of 9 consecutive A bases (chr6:152,453,331-152,453,339); deleting any one gives the same sequence. VCF-style (leftmost placement, unchanged base first): chr6-152453330-TA-T. GRCh37 (hg19) VCF-style: chr6-152774465-TA-T.
Other names: c.3048+255del (NM_033071.5).
Identifiers: ClinVar variation 683909 (VCV000683909.1), dbSNP rs5880978, ClinGen allele CA150240009.